The following is an entry in ClinVar:

NM_001182.5(ALDH7A1):c.774-19C>T

Gene: ALDH7A1 (aldehyde dehydrogenase 7 family member A1; minus strand). Cytogenetic location: 5q23.2.
Variant type: single nucleotide variant.
Coding change: c.774-19C>T on transcript NM_001182.5 (MANE Select); 19 bases into the intron before coding-DNA position 774, C replaced by T.
Molecular consequence: intron variant.
Genome position (GRCh38, 1-based): chr5:126,568,375, G>A on the plus strand (C>T on the coding strand, the complement: ALDH7A1 is on the minus strand). VCF-style: chr5-126568375-G-A. GRCh37 (hg19) VCF-style: chr5-125904067-G-A.
Other names: c.774-19C>T (NM_001202404.2); c.690-19C>T (NM_001201377.2).
Identifiers: ClinVar variation 136371 (VCV000136371.11), dbSNP rs373058643, ClinGen allele CA289409.
Genomic context (GRCh38, chr5:126,568,375, plus strand): 5'-AAGGACAGCAGGTTCACTCGTTCATCTTTGGCCATTGCTGTGCTGCAAGGGAACAGACAC[G>A]GTCGGCCACCCAAGCAGAGAAACCCAGCAATTACAACATCTAATGGTACCCAGCACTGAA-3'

ClinVar aggregate classification (germline): Benign/Likely benign. Review status: criteria provided, multiple submitters, no conflicts (2 of 4 stars). 5 submissions from 5 submitters: Benign (2); Likely benign (3). Last evaluated 2026-05-13.

Conditions:
Pyridoxine-dependent epilepsy (EPEO4). Also called: Pyridoxine-Dependent Epilepsy - ALDH7A1; Pyridoxine-Dependent Seizures; EPILEPSY, EARLY-ONSET, 4, VITAMIN B6-DEPENDENT; PYRIDOXINE DEPENDENCY WITH SEIZURES. Identifiers: Orphanet 3006, MedGen C1849508, MONDO:0009945, OMIM 266100. Disease mechanism: loss of function.

Allele frequency attached by ClinVar (database versions not stated): gnomAD exomes 0.00003 and 0.00004; ExAC 0.00005; ESP Exome Variant Server 0.00008; gnomAD 0.00009 and 0.00010; TOPMed 0.00012.
gnomAD v4.1: 68 of 1,607,982 alleles (0.0042%); highest among the groups gnomAD compares: African/African-American, 0.031%; no homozygotes.

Submissions (5):

Women's Health and Genetics/Laboratory Corporation of America, LabCorp
Classification: Likely benign. Last evaluated: 2026-05-13. Review status: criteria provided, single submitter. Criteria: LabCorp Variant Classification Summary - May 2015. Collection method: clinical testing. Allele origin: germline.

Labcorp Genetics (formerly Invitae), Labcorp
Classification: Likely benign for Pyridoxine-dependent epilepsy. Last evaluated: 2025-09-14. Review status: criteria provided, single submitter. Criteria: Invitae Variant Classification Sherloc (09022015). Collection method: clinical testing. Allele origin: germline.

Genome-Nilou Lab
Classification: Benign for Pyridoxine-dependent epilepsy. Last evaluated: 2023-04-11. Review status: criteria provided, single submitter. Criteria: ACMG Guidelines, 2015. Collection method: clinical testing. Allele origin: germline. Affected: no.

Blueprint Genetics
Classification: Likely benign. Last evaluated: 2019-09-17. Review status: criteria provided, single submitter. Criteria: ACMG Guidelines, 2015. Collection method: clinical testing. Allele origin: germline.

GeneDx
Classification: Benign. Last evaluated: 2013-11-18. Review status: criteria provided, single submitter. Criteria: GeneDx Variant Classification (06012015). Collection method: clinical testing. Allele origin: germline. Affected: yes.
Comment: This variant is considered likely benign or benign based on one or more of the following criteria: it is a conservative change, it occurs at a poorly conserved position in the protein, it is predicted to be benign by multiple in silico algorithms, and/or has population frequency not consistent with disease.